The following is an entry in ClinVar:

ClinVar aggregate classification (germline): Uncertain significance (1 of 4 stars; one submission).

Conditions:
Dilated cardiomyopathy 1DD (CMD1DD). Identifiers: Orphanet 154, MedGen C2750995, MONDO:0013168, OMIM 613172.

Allele frequency attached by ClinVar (database versions not stated): gnomAD exomes below 0.00001.
gnomAD v4.1: 2 of 1,551,404 alleles (0.00013%); highest among the groups gnomAD compares: Non-Finnish European, 0.00017%; no homozygotes.

Submission:

Labcorp Genetics (formerly Invitae), Labcorp
Classification: Uncertain significance for Dilated cardiomyopathy 1DD. Last evaluated: 2024-10-25. Review status: criteria provided, single submitter. Criteria: Invitae Variant Classification Sherloc (09022015). Collection method: clinical testing. Allele origin: germline.
Comment: This sequence change replaces tyrosine, which is neutral and polar, with phenylalanine, which is neutral and non-polar, at codon 1162 of the RBM20 protein (p.Tyr1162Phe). This variant is not present in population databases (gnomAD no frequency). This variant has not been reported in the literature in individuals affected with RBM20-related conditions. ClinVar contains an entry for this variant (Variation ID: 1508619). Invitae Evidence Modeling of protein sequence and biophysical properties (such as structural, functional, and spatial information, amino acid conservation, physicochemical variation, residue mobility, and thermodynamic stability) indicates that this missense variant is not expected to disrupt RBM20 protein function with a negative predictive value of 95%. In summary, the available evidence is currently insufficient to determine the role of this variant in disease. Therefore, it has been classified as a Variant of Uncertain Significance.

NM_001134363.3(RBM20):c.3485A>T (p.Tyr1162Phe)

Gene: RBM20 (RNA binding motif protein 20; plus strand). Cytogenetic location: 10q25.2.
Variant type: single nucleotide variant.
Coding change: c.3485A>T on transcript NM_001134363.3 (MANE Select); coding-DNA position 3485, A replaced by T.
Protein change: p.Tyr1162Phe; replaces tyrosine 1162 with phenylalanine.
Molecular consequence: missense variant.
Genome position (GRCh38, 1-based): chr10:110,831,094, A>T. VCF-style: chr10-110831094-A-T. GRCh37 (hg19) VCF-style: chr10-112590852-A-T.
Other names: short protein forms Y1162F.
Identifiers: ClinVar variation 1508619 (VCV001508619.6), dbSNP rs1845045632, ClinGen allele CA378386477.